The following is an entry in ClinVar:

NM_052947.4(ALPK2):c.3946G>A (p.Gly1316Ser)

Genes: ALPK2 (alpha kinase 2; minus strand), LOC126862764 (BRD4-independent group 4 enhancer GRCh37_chr18:56202574-56203773; plus strand). Cytogenetic location: 18q21.31.
Variant type: single nucleotide variant.
Coding change: c.3946G>A on transcript NM_052947.4 (MANE Select); coding-DNA position 3946, G replaced by A.
Protein change: p.Gly1316Ser; replaces glycine 1316 with serine.
Molecular consequence: missense variant.
Genome position (GRCh38, 1-based): chr18:58,536,241, C>T on the plus strand (G>A on the coding strand, the complement: ALPK2 is on the minus strand). VCF-style: chr18-58536241-C-T. GRCh37 (hg19) VCF-style: chr18-56203473-C-T.
Other names: short protein forms G1316S.
Identifiers: ClinVar variation 1736387 (VCV001736387.2), dbSNP rs1262902551, ClinGen allele CA402565060.

ClinVar aggregate classification (germline): Uncertain significance (1 of 4 stars; one submission).

Allele frequency attached by ClinVar (database versions not stated): gnomAD exomes below 0.00001; TOPMed below 0.00001.
gnomAD v4.1: 5 of 1,614,210 alleles (0.00031%); highest among the groups gnomAD compares: Non-Finnish European, 0.00042%; no homozygotes.

Submission:

Ambry Genetics
Classification: Uncertain significance. Last evaluated: 2023-11-10. Review status: criteria provided, single submitter. Criteria: Ambry Variant Classification Scheme 2023. Collection method: clinical testing. Allele origin: germline.
Comment: The p.G1316S variant (also known as c.3946G>A), located in coding exon 4 of the ALPK2 gene, results from a G to A substitution at nucleotide position 3946. The glycine at codon 1316 is replaced by serine, an amino acid with similar properties. This amino acid position is conserved. In addition, this alteration is predicted to be tolerated by in silico analysis. Since supporting evidence is limited at this time, the clinical significance of this alteration remains unclear.